The following is an entry in ClinVar:

NM_025219.3(DNAJC5):c.*2725G>A

Gene: DNAJC5 (DnaJ heat shock protein family (Hsp40) member C5; plus strand). Cytogenetic location: 20q13.33.
Variant type: single nucleotide variant.
Coding change: c.*2725G>A on transcript NM_025219.3 (MANE Select); 2725 bases downstream of the stop codon, G replaced by A.
Molecular consequence: 3 prime UTR variant.
Genome position (GRCh38, 1-based): chr20:63,934,293, G>A. VCF-style: chr20-63934293-G-A. GRCh37 (hg19) VCF-style: chr20-62565646-G-A.
Identifiers: ClinVar variation 339411 (VCV000339411.8), dbSNP rs11554628, ClinGen allele CA10644409.

ClinVar aggregate classification (germline): Benign/Likely benign. Review status: criteria provided, multiple submitters, no conflicts (2 of 4 stars). 3 submissions from 3 submitters: Benign (2); Likely benign (1). Last evaluated 2021-05-11.

Conditions:
Ceroid lipofuscinosis, neuronal, 4 (Kufs type) (CLN4). Also called: Neuronal ceroid lipofuscinosis 4B; Ceroid lipofuscinosis, neuronal, 4, Parry type. Identifiers: Orphanet 228343, Orphanet 79262, MedGen C1834207, MONDO:0008083, OMIM 162350.

Allele frequency attached by ClinVar (database versions not stated): 1000 Genomes Project 0.03095; 1000 Genomes Project 30x 0.03310; TOPMed 0.06499; gnomAD 0.06518 and 0.06691; gnomAD exomes 0.17647.
gnomAD v4.1: 9,989 of 152,382 alleles (6.6%); highest among the groups gnomAD compares: Middle Eastern, 13%; 490 homozygotes.

Submissions (3):

GeneDx
Classification: Benign. Last evaluated: 2021-05-11. Review status: criteria provided, single submitter. Criteria: GeneDx Variant Classification Process June 2021. Collection method: clinical testing. Allele origin: germline. Affected: yes.

Illumina Laboratory Services, Illumina
Classification: Benign for Ceroid lipofuscinosis, neuronal, 4 (Kufs type). Last evaluated: 2018-01-13. Review status: criteria provided, single submitter. Criteria: ICSL Variant Classification Criteria 13 December 2019. Collection method: clinical testing. Allele origin: germline.
Comment: This variant was observed in the ICSL laboratory as part of a predisposition screen in an ostensibly healthy population. It had not been previously curated by ICSL or reported in the Human Gene Mutation Database (HGMD: prior to June 1st, 2018), and was therefore a candidate for classification through an automated scoring system. Utilizing variant allele frequency, disease prevalence and penetrance estimates, and inheritance mode, an automated score was calculated to assess if this variant is too frequent to cause the disease. Based on the score and internal cut-off values, a variant classified as benign is not then subjected to further curation. The score for this variant resulted in a classification of benign for this disease.

Breakthrough Genomics
Classification: Likely benign. Review status: criteria provided, single submitter. Criteria: ACMG Guidelines, 2015. Collection method: not provided. Allele origin: germline. Inheritance: Autosomal dominant inheritance. Affected: yes.